The following is an entry in ClinVar:

NM_014244.5(ADAMTS2):c.2522T>C (p.Leu841Pro)

Gene: ADAMTS2 (ADAM metallopeptidase with thrombospondin type 1 motif 2; minus strand). Cytogenetic location: 5q35.3.
Variant type: single nucleotide variant.
Coding change: c.2522T>C on transcript NM_014244.5 (MANE Select); coding-DNA position 2522, T replaced by C.
Protein change: p.Leu841Pro; replaces leucine 841 with proline.
Molecular consequence: missense variant.
Genome position (GRCh38, 1-based): chr5:179,128,054, A>G on the plus strand (T>C on the coding strand, the complement: ADAMTS2 is on the minus strand). VCF-style: chr5-179128054-A-G. GRCh37 (hg19) VCF-style: chr5-178555055-A-G.
Other names: short protein forms L841P.
Identifiers: ClinVar variation 1305841 (VCV001305841.4), dbSNP rs1403760293, ClinGen allele CA362423260.

ClinVar aggregate classification (germline): Uncertain significance. Review status: criteria provided, multiple submitters, no conflicts (2 of 4 stars). 2 submissions from 2 submitters: Uncertain significance (2). Last evaluated 2024-04-29.

Conditions:
Ehlers-Danlos syndrome, dermatosparaxis type. Also called: EDS VIIC; Ehlers-Danlos syndrome, type VII, autosomal recessive; Dermatosparaxis. Identifiers: Orphanet 1901, MedGen C2700425, MONDO:0009161, OMIM 225410.

Allele frequency attached by ClinVar (database versions not stated): gnomAD exomes below 0.00001; TOPMed 0.00001.
gnomAD v4.1: 1 of 1,614,038 alleles (0.000062%); highest among the groups gnomAD compares: Admixed American, 0.0017%; no homozygotes.

Submissions (2):

Labcorp Genetics (formerly Invitae), Labcorp
Classification: Uncertain significance for Ehlers-Danlos syndrome, dermatosparaxis type. Last evaluated: 2024-04-29. Review status: criteria provided, single submitter. Criteria: Invitae Variant Classification Sherloc (09022015). Collection method: clinical testing. Allele origin: germline.
Comment: This sequence change replaces leucine, which is neutral and non-polar, with proline, which is neutral and non-polar, at codon 841 of the ADAMTS2 protein (p.Leu841Pro). This variant is present in population databases (no rsID available, gnomAD 0.003%). This variant has not been reported in the literature in individuals affected with ADAMTS2-related conditions. ClinVar contains an entry for this variant (Variation ID: 1305841). An algorithm developed to predict the effect of missense changes on protein structure and function (PolyPhen-2) suggests that this variant is likely to be tolerated. In summary, the available evidence is currently insufficient to determine the role of this variant in disease. Therefore, it has been classified as a Variant of Uncertain Significance.

GeneDx
Classification: Uncertain significance. Last evaluated: 2020-06-26. Review status: criteria provided, single submitter. Criteria: GeneDx Variant Classification Process June 2021. Collection method: clinical testing. Allele origin: germline. Affected: yes.
Comment: Not observed at a significant frequency in large population cohorts (Lek et al., 2016); In silico analysis supports that this missense variant does not alter protein structure/function; Has not been previously published as pathogenic or benign to our knowledge